The following is an entry in ClinVar:

NM_000169.3(GLA):c.1081_1100del (p.Gly361fs)

Genes: GLA (galactosidase alpha; minus strand), RPL36A-HNRNPH2 (RPL36A-HNRNPH2 readthrough; plus strand). Cytogenetic location: Xq22.1.
Variant type: Deletion.
Coding change: c.1081_1100del on transcript NM_000169.3 (MANE Select); coding-DNA positions 1081 to 1100, 20 bases deleted (GGACCTCGCTCTTATACCAT).
Protein change: p.Gly361fs; shifts the reading frame from glycine 361.
Molecular consequence: frameshift variant. On other transcripts: non-coding transcript variant (3), intron variant (2).
Genome position (GRCh38, 1-based): chrX:101,397,999-101,398,018, ATGGTATAAGAGCGAGGTCC deleted on the plus strand (GGACCTCGCTCTTATACCAT on the coding strand, the reverse complement: GLA is on the minus strand); deleting any 20 consecutive bases within chrX:101,397,999-101,398,019 gives the same sequence; the c. name uses the placement nearest the transcript's 3' end. VCF-style (leftmost placement, unchanged base first): chrX-101397998-GATGGTATAAGAGCGAGGTCC-G. GRCh37 (hg19) VCF-style: chrX-100652986-GATGGTATAAGAGCGAGGTCC-G.
Other names: c.1204_1223del, p.Gly402fs (NM_001406747.1); c.300+2543_300+2562del (NM_001199973.2); c.177+6178_177+6197del (NM_001199974.2); short protein forms G361fs, G402fs.
Identifiers: ClinVar variation 4087053 (VCV004087053.2).
Genomic context (GRCh38, chrX:101,397,998, plus strand): 5'-GAGCTGTGTGATGAAGCAGGCAGGATTACAGGCCACTCCTTTACCCAGGGAAGCAACTGC[GATGGTATAAGAGCGAGGTCC>G]ACCAATCTCCTGCCGGTTTATCATAGCTACAGCCCAGGCTAAGCCTGAGAGAGGTCGTTC-3'

ClinVar aggregate classification (germline): Pathogenic (1 of 4 stars; one submission).

Conditions:
Fabry disease. Also called: ALPHA-GALACTOSIDASE A DEFICIENCY; ANDERSON-FABRY DISEASE; CERAMIDE TRIHEXOSIDASE DEFICIENCY; GLA DEFICIENCY; HEREDITARY DYSTOPIC LIPIDOSIS; Angiokeratoma corporis diffusum. Identifiers: Orphanet 324, MedGen C0002986, MONDO:0010526, OMIM 301500, HP:0001071. Disease mechanism: Fabry disease is due to inactivating mutations in the X-linked GLA gene resulting in deficiency of the enzyme Alpha Galactosidase-A., loss of function.

Submission:

Genomenon, Inc
Classification: Pathogenic for Fabry disease. Last evaluated: 2026-09-08. Review status: criteria provided, single submitter. Criteria: Genomenon Sequence Variant Interpretation Standards - Updated. Collection method: curation. Allele origin: germline. Affected: yes.
Comment: GLA p.Gly361ArgfsTer7 (c.1081_1100del) is a frameshift variant that is predicted to introduce a premature termination codon and result in a truncated or absent protein product. This variant has been observed in at least one proband with clinical features consistent with Fabry disease (PMID:25974833;9452111). Functional or patient cell studies have been reported (PMID:25974833). It is absent or not present at a significant frequency in gnomAD. In conclusion, we classify GLA p.Gly361ArgfsTer7 (c.1081_1100del) as a pathogenic variant.

Literature cited by the submitters: PubMed 25974833; PubMed 9452111.